The following is an entry in ClinVar:

NM_001046.3(SLC12A2):c.164G>A (p.Gly55Glu)

Genes: SLC12A2 (solute carrier family 12 member 2; plus strand), LOC129994526 (ATAC-STARR-seq lymphoblastoid silent region 16295; plus strand). Cytogenetic location: 5q23.3.
Variant type: single nucleotide variant.
Coding change: c.164G>A on transcript NM_001046.3 (MANE Select); coding-DNA position 164, G replaced by A.
Protein change: p.Gly55Glu; replaces glycine 55 with glutamic acid.
Molecular consequence: missense variant. On other transcripts: non-coding transcript variant (1).
Genome position (GRCh38, 1-based): chr5:128,084,118, G>A. VCF-style: chr5-128084118-G-A. GRCh37 (hg19) VCF-style: chr5-127419810-G-A.
Other names: c.164G>A, p.Gly55Glu (NM_001256461.2); short protein forms G55E.
Identifiers: ClinVar variation 3635535 (VCV003635535.2).
Genomic context (GRCh38, chr5:128,084,118, plus strand): 5'-CCGGCACGGCTGTGCCCTCGGTGCCGGAGGATGCTGCGCCCGCGAGCCGGGACGGCGGCG[G>A]GGTCCGCGATGAGGGCCCCGCGGCGGCCGGGGACGGGCTGGGCAGACCCTTGGGGCCCAC-3'
Protein context (NP_001037.1, residues 45-65): DAAPASRDGG[Gly55Glu]VRDEGPAAAG

ClinVar aggregate classification (germline): Uncertain significance (1 of 4 stars; one submission).

Submission:

Labcorp Genetics (formerly Invitae), Labcorp
Classification: Uncertain significance. Last evaluated: 2024-06-05. Review status: criteria provided, single submitter. Criteria: Invitae Variant Classification Sherloc (09022015). Collection method: clinical testing. Allele origin: germline.
Comment: This sequence change replaces glycine, which is neutral and non-polar, with glutamic acid, which is acidic and polar, at codon 55 of the SLC12A2 protein (p.Gly55Glu). This variant is not present in population databases (gnomAD no frequency). This variant has not been reported in the literature in individuals affected with SLC12A2-related conditions. Advanced modeling of protein sequence and biophysical properties (such as structural, functional, and spatial information, amino acid conservation, physicochemical variation, residue mobility, and thermodynamic stability) performed at Invitae indicates that this missense variant is not expected to disrupt SLC12A2 protein function with a negative predictive value of 95%. In summary, the available evidence is currently insufficient to determine the role of this variant in disease. Therefore, it has been classified as a Variant of Uncertain Significance.